The following is an entry in ClinVar:

ClinVar aggregate classification (germline): Conflicting classifications of pathogenicity. Review status: criteria provided, conflicting classifications (1 of 4 stars). 3 submissions from 3 submitters: Pathogenic (1); Likely pathogenic (1); Uncertain significance (1). Last evaluated 2026-07-22.

Conditions:
Leber congenital amaurosis 2 (LCA2). Also called: AMAUROSIS CONGENITA OF LEBER II; Autosomal Recessive RPE65-Related Retinal Degeneration. Identifiers: Orphanet 65, MedGen C1859844, MONDO:0008765, OMIM 204100. Disease mechanism: loss of function.
Retinitis pigmentosa 20 (RP20). Identifiers: Orphanet 791, MedGen C3151086, MONDO:0013425, OMIM 613794.
RPE65-related recessive retinopathy. Also called: Recessive RPE65 retinopathy. Identifiers: MedGen CN305526, MONDO:0100368.
RPE65-related disorder. Also called: RPE65-related condition; RPE65-related disorders. Identifiers: MedGen CN239301.

Allele frequency attached by ClinVar (database versions not stated): gnomAD exomes below 0.00001.
gnomAD v4.1: 1 of 1,614,192 alleles (0.000062%); highest among the groups gnomAD compares: Admixed American, 0.0017%; no homozygotes.

Submissions (3):

Myriad Genetics, Inc.
Classification: Uncertain significance for RPE65-related recessive retinopathy. Last evaluated: 2026-07-22. Review status: criteria provided, single submitter. Criteria: Myriad Autosomal Dominant, Autosomal Recessive and X-Linked Classification Criteria (2023). Collection method: clinical testing. Allele origin: unknown.
Comment: NM_000329.2(RPE65):c.405T>A(N135K) is a missense variant classified as a variant of uncertain significance in the context of inherited retinal dystrophy, RPE65-related. N135K has been observed in cases with relevant disease (PMID: 31736247, 37261916). Relevant functional assessments of this variant are available in the literature (PMID: 41051147). N135K has not been observed in referenced population frequency databases. In summary, there is insufficient evidence to classify NM_000329.2(RPE65):c.405T>A(N135K) as pathogenic or benign. Please note: this variant was assessed in the context of healthy population screening.

Labcorp Genetics (formerly Invitae), Labcorp
Classification: Pathogenic for Leber congenital amaurosis 2; Retinitis pigmentosa 20. Last evaluated: 2022-10-25. Review status: criteria provided, single submitter. Criteria: Invitae Variant Classification Sherloc (09022015). Collection method: clinical testing. Allele origin: germline.
Comment: This sequence change replaces asparagine, which is neutral and polar, with lysine, which is basic and polar, at codon 135 of the RPE65 protein (p.Asn135Lys). For these reasons, this variant has been classified as Pathogenic. Advanced modeling of protein sequence and biophysical properties (such as structural, functional, and spatial information, amino acid conservation, physicochemical variation, residue mobility, and thermodynamic stability) performed at Invitae indicates that this missense variant is expected to disrupt RPE65 protein function. ClinVar contains an entry for this variant (Variation ID: 1521093). This missense change has been observed in individuals with RPE65-related conditions (PMID: 30268864, 31736247; Invitae). This variant is not present in population databases (gnomAD no frequency).

Blueprint Genetics
Classification: Likely pathogenic for RPE65-related disorders. Last evaluated: 2020-01-28. Review status: criteria provided, single submitter. Criteria: ACMG Guidelines, 2015. Collection method: clinical testing. Allele origin: germline. Affected: yes. Observed: 1 variant allele.

Literature cited by the submitters: PubMed 31736247 (cited by Myriad Genetics, Inc. and Labcorp Genetics (formerly Invitae), Labcorp); PubMed 37261916 (cited by Myriad Genetics, Inc.); PubMed 41051147 (cited by Myriad Genetics, Inc.); PubMed 30268864 (cited by Labcorp Genetics (formerly Invitae), Labcorp).

NM_000329.3(RPE65):c.405T>A (p.Asn135Lys)

Gene: RPE65 (retinoid isomerohydrolase RPE65; minus strand). Cytogenetic location: 1p31.3.
Variant type: single nucleotide variant.
Coding change: c.405T>A on transcript NM_000329.3 (MANE Select); coding-DNA position 405, T replaced by A.
Protein change: p.Asn135Lys; replaces asparagine 135 with lysine.
Molecular consequence: missense variant.
Genome position (GRCh38, 1-based): chr1:68,444,621, A>T on the plus strand (T>A on the coding strand, the complement: RPE65 is on the minus strand). VCF-style: chr1-68444621-A-T. GRCh37 (hg19) VCF-style: chr1-68910304-A-T.
Other names: short protein forms N135K.
Identifiers: ClinVar variation 1521093 (VCV001521093.10), dbSNP rs1645928294, ClinGen allele CA340747891.
Genomic context (GRCh38, chr1:68,444,621, plus strand): 5'-AATCTTTGTAATAAAGTTGGTCTCTGTGCAAGCGTAGTAATCTTCCCCCACTGGGTAGAC[A>T]TTAACAAGGGCATTGTCAGTAACCTCTACTCCTCGAAAGTAAGAAAAAAACCTGTAGAAA-3'
Protein context (NP_000320.1, residues 125-145): GVEVTDNALV[Asn135Lys]VYPVGEDYYA